The following is an entry in ClinVar:

ClinVar aggregate classification (germline): Uncertain significance (1 of 4 stars; one submission).

Submission:

GeneDx
Classification: Uncertain significance. Last evaluated: 2023-01-26. Review status: criteria provided, single submitter. Criteria: GeneDx Variant Classification Process June 2021. Collection method: clinical testing. Allele origin: germline. Affected: yes.
Comment: Not observed at significant frequency in large population cohorts (gnomAD); In silico analysis supports that this missense variant does not alter protein structure/function; Has not been previously published as pathogenic or benign to our knowledge

NM_001903.5(CTNNA1):c.2717T>G (p.Ile906Ser)

Gene: CTNNA1 (catenin alpha 1; plus strand). Cytogenetic location: 5q31.2.
Variant type: single nucleotide variant.
Coding change: c.2717T>G on transcript NM_001903.5 (MANE Select); coding-DNA position 2717, T replaced by G.
Protein change: p.Ile906Ser; replaces isoleucine 906 with serine.
Molecular consequence: missense variant. On other transcripts: 3 prime UTR variant (5).
Genome position (GRCh38, 1-based): chr5:138,934,085, T>G. VCF-style: chr5-138934085-T-G. GRCh37 (hg19) VCF-style: chr5-138269774-T-G.
Other names: c.*262T>G (NM_001290307.3, NM_001324002.1, NM_001324003.1 and 2 more transcripts); c.2408T>G, p.Ile803Ser (NM_001290309.3); c.2348T>G, p.Ile783Ser (NM_001290310.3); c.1607T>G, p.Ile536Ser (NM_001290312.1, NM_001323987.1, NM_001323988.1 and 12 more transcripts); c.2717T>G, p.Ile906Ser (NM_001323982.2, NM_001323983.1, NM_001323984.2); c.2690T>G, p.Ile897Ser (NM_001323985.2); c.2624T>G, p.Ile875Ser (NM_001323986.2); c.1472T>G, p.Ile491Ser (NM_001324001.1); and 3 more; short protein forms I423S, I455S, I491S, I505S, I536S, I783S, I803S, I875S.
Identifiers: ClinVar variation 2574371 (VCV002574371.1), dbSNP rs2533959256, ClinGen allele CA361135844.